The following is an entry in ClinVar:

NM_000059.4(BRCA2):c.5200dup (p.Glu1734fs)

Gene: BRCA2 (BRCA2 DNA repair associated; plus strand). Cytogenetic location: 13q13.1.
Variant type: Duplication.
Coding change: c.5200dup on transcript NM_000059.4 (MANE Select); coding-DNA position 5200, one base duplicated (G; older notation c.5200dupG).
Protein change: p.Glu1734fs; shifts the reading frame from glutamic acid 1734.
Molecular consequence: frameshift variant.
Genome position (GRCh38, 1-based): chr13:32,339,555, G duplicated. VCF-style (leftmost placement, unchanged base first): chr13-32339554-C-CG. GRCh37 (hg19) VCF-style: chr13-32913691-C-CG.
Other names: c.5200dupG (NM_000059.3); short protein forms E1734fs.
Identifiers: ClinVar variation 495468 (VCV000495468.16), dbSNP rs1555284103, ClinGen allele CA658683841.
Genomic context (GRCh38, chr13:32,339,554, plus strand): 5'-TTATTTGTATGAAAATAATTCAAACAGTACTATAGCTGAAAATGACAAAAATCATCTCTC[C>CG]GAAAAACAAGATACTTATTTAAGTAACAGTAGCATGTCTAACAGCTATTCCTACCATTCT-3'

ClinVar aggregate classification (germline): Pathogenic/Likely pathogenic. Review status: criteria provided, multiple submitters, no conflicts (2 of 4 stars). 6 submissions from 6 submitters: Pathogenic (5); Likely pathogenic (1). Last evaluated 2025-11-01.

Conditions:
Hereditary breast ovarian cancer syndrome. Also called: Hereditary breast and ovarian cancer syndrome (HBOC); Breast and ovarian cancer; Hereditary breast and ovarian cancer; BRCA1- and BRCA2-Associated Hereditary Breast and Ovarian Cancer; Hereditary breast and/or ovarian cancer syndrome; Hereditary breast and ovarian cancer syndrome. Identifiers: Orphanet 145, MedGen C0677776, MeSH D061325, MONDO:0003582. Disease mechanism: loss of function.
Breast-ovarian cancer, familial, susceptibility to, 2 (BROVCA2). Also called: BRCA2 Hereditary Breast and Ovarian Cancer. Identifiers: Orphanet 145, MedGen C2675520, MONDO:0012933, OMIM 612555. Disease mechanism: loss of function.
Familial cancer of breast. Also called: hereditary breast carcinoma; BREAST CANCER, FAMILIAL; Hereditary breast cancer. Identifiers: Orphanet 227535, MedGen C0346153, MONDO:0016419, OMIM 114480. Disease mechanism: loss of function.

Submissions (6):

Labcorp Genetics (formerly Invitae), Labcorp
Classification: Pathogenic for Hereditary breast ovarian cancer syndrome. Last evaluated: 2025-11-01. Review status: criteria provided, single submitter. Criteria: Invitae Variant Classification Sherloc (09022015). Collection method: clinical testing. Allele origin: germline.
Comment: This sequence change creates a premature translational stop signal (p.Glu1734Glyfs*9) in the BRCA2 gene. It is expected to result in an absent or disrupted protein product. Loss-of-function variants in BRCA2 are known to be pathogenic (PMID: 20104584). This variant is not present in population databases (gnomAD no frequency). This premature translational stop signal has been observed in individual(s) with BRCA2-related conditions (PMID: 21520333). ClinVar contains an entry for this variant (Variation ID: 495468). For these reasons, this variant has been classified as Pathogenic.

Quest Diagnostics Nichols Institute San Juan Capistrano
Classification: Pathogenic. Last evaluated: 2025-03-16. Review status: criteria provided, single submitter. Criteria: Quest Diagnostics criteria. Collection method: clinical testing. Allele origin: unknown.
Comment: The BRCA2 c.5200dup (p.Glu1734Glyfs*9) variant alters the translational reading frame of the BRCA2 mRNA and causes the premature termination of BRCA2 protein synthesis. This variant has been reported in the published literature in individuals with breast (PMID: 32868316 (2020)) and ovarian (PMID: 37664050 (2023)) cancer or family history of breast cancer (PMID: 36881271 (2023)). This variant has not been reported in large, multi-ethnic general populations (Genome Aggregation Database). Based on the available information, this variant is classified as pathogenic.

GeneDx
Classification: Pathogenic. Last evaluated: 2022-11-15. Review status: criteria provided, single submitter. Criteria: GeneDx Variant Classification Process June 2021. Collection method: clinical testing. Allele origin: germline. Affected: yes.
Comment: Frameshift variant predicted to result in protein truncation or nonsense mediated decay in a gene for which loss-of-function is a known mechanism of disease; Observed in an individual with breast cancer (Purrington et al., 2020); Truncating variants in this gene are considered pathogenic by a well-established clinical consortium and/or database; Not observed at significant frequency in large population cohorts (gnomAD); Also known as 5428dupG; This variant is associated with the following publications: (PMID: Villela2022[preprint], 32868316)

Laboratorio de Genetica e Diagnostico Molecular, Hospital Israelita Albert Einstein
Classification: Pathogenic for Breast-ovarian cancer, familial, susceptibility to, 2. Last evaluated: 2022-03-17. Review status: criteria provided, single submitter. Criteria: ACMG Guidelines, 2015. Collection method: clinical testing. Allele origin: germline. Affected: yes. Observed: 1 variant allele.
Comment: ACMG classification criteria: PVS1 very strong, PS4 supporting, PM2 moderated

Baylor Genetics
Classification: Pathogenic for Familial cancer of breast. Last evaluated: 2021-08-01. Review status: criteria provided, single submitter. Criteria: ACMG Guidelines, 2015. Collection method: clinical testing. Allele origin: unknown.

Women's Health and Genetics/Laboratory Corporation of America, LabCorp
Classification: Likely pathogenic for Hereditary breast ovarian cancer syndrome. Last evaluated: 2017-06-12. Review status: criteria provided, single submitter. Criteria: LabCorp Variant Classification Summary - May 2015. Collection method: clinical testing. Allele origin: germline.
Comment: Variant summary: The BRCA2 c.5200dupG (p.Glu1734Glyfs) variant results in a premature termination codon, predicted to cause a truncated or absent BRCA2 protein due to nonsense mediated decay, which are commonly known mechanisms for disease. Truncations downstream of this position have been classified as pathogenic by our laboratory (e.g. c.5217_5220delTTTA, p.Tyr1739X; c.5238dupT, p.Asn1747X; c.5290_5291delTC, p.Ser1764fs). One in silico tool predicts a damaging outcome for this variant. This variant is absent in 119462 control chromosomes. The variant of interest has not, to our knowledge, been reported in affected individuals via publications and/or reputable databases/clinical diagnostic laboratories; nor evaluated for functional impact by in vivo/vitro studies. Taken together, this variant is classified as likely pathogenic.

Literature cited by the submitters: PubMed 20104584 (cited by Labcorp Genetics (formerly Invitae), Labcorp); PubMed 21520333 (cited by Labcorp Genetics (formerly Invitae), Labcorp); PubMed 37664050 (cited by Quest Diagnostics Nichols Institute San Juan Capistrano); PubMed 32868316 (cited by Quest Diagnostics Nichols Institute San Juan Capistrano); PubMed 36881271 (cited by Quest Diagnostics Nichols Institute San Juan Capistrano).